The following is an entry in ClinVar:

NM_000334.4(SCN4A):c.1598C>T (p.Ala533Val)

Gene: SCN4A (sodium voltage-gated channel alpha subunit 4; minus strand). Cytogenetic location: 17q23.3.
Variant type: single nucleotide variant.
Coding change: c.1598C>T on transcript NM_000334.4 (MANE Select); coding-DNA position 1598, C replaced by T.
Protein change: p.Ala533Val; replaces alanine 533 with valine.
Molecular consequence: missense variant.
Genome position (GRCh38, 1-based): chr17:63,963,680, G>A on the plus strand (C>T on the coding strand, the complement: SCN4A is on the minus strand). VCF-style: chr17-63963680-G-A. GRCh37 (hg19) VCF-style: chr17-62041040-G-A.
Other names: short protein forms A533V.
Identifiers: ClinVar variation 965239 (VCV000965239.10), dbSNP rs1249706169, ClinGen allele CA400634419.

ClinVar aggregate classification (germline): Uncertain significance (1 of 4 stars; one submission).

Conditions:
Hyperkalemic periodic paralysis. Also called: Familial hyperkalemic periodic paralysis; Gamstorp disease. Identifiers: Orphanet 682, MedGen C0238357, MONDO:0008224, OMIM 170500, HP:0007215.

Allele frequency attached by ClinVar (database versions not stated): gnomAD exomes below 0.00001; gnomAD 0.00001.
gnomAD v4.1: 5 of 1,580,214 alleles (0.00032%); highest among the groups gnomAD compares: East Asian, 0.0023%; no homozygotes.

Submission:

Labcorp Genetics (formerly Invitae), Labcorp
Classification: Uncertain significance for Hyperkalemic periodic paralysis. Last evaluated: 2022-03-18. Review status: criteria provided, single submitter. Criteria: Invitae Variant Classification Sherloc (09022015). Collection method: clinical testing. Allele origin: germline.
Comment: This sequence change replaces alanine, which is neutral and non-polar, with valine, which is neutral and non-polar, at codon 533 of the SCN4A protein (p.Ala533Val). This variant is not present in population databases (gnomAD no frequency). This variant has not been reported in the literature in individuals affected with SCN4A-related conditions. ClinVar contains an entry for this variant (Variation ID: 965239). Algorithms developed to predict the effect of missense changes on protein structure and function are either unavailable or do not agree on the potential impact of this missense change (SIFT: "Deleterious"; PolyPhen-2: "Benign"; Align-GVGD: "Class C0"). In summary, the available evidence is currently insufficient to determine the role of this variant in disease. Therefore, it has been classified as a Variant of Uncertain Significance.